The following is an entry in ClinVar:

ClinVar aggregate classification (germline): Likely pathogenic (1 of 4 stars; one submission).

Conditions:
Autosomal recessive polycystic kidney disease (ARPKD). Also called: AR polycystic kidney disease. Identifiers: Orphanet 731, Orphanet 8378, MedGen C0085548, MeSH D017044, MONDO:0009889.

Submission:

Natera, Inc.
Classification: Likely pathogenic for Autosomal recessive polycystic kidney disease. Last evaluated: 2025-08-26. Review status: criteria provided, single submitter. Criteria: Natera Variant Classification Schema (03/2026). Collection method: clinical testing. Allele origin: germline.
Comment: The c.11847_11848delAG variant in PKHD1 is a frameshift variant predicted to shift the reading frame beginning at codon 3951 and leads to a stop codon 5 codons downstream. This variant is expected to result in nonsense mediated decay, truncation, or a dysfunctional protein product. This variant is rare in the general population with a frequency below the threshold expected for the associated phenotype(s). Given the available evidence, this variant is classified as Likely Pathogenic.

NM_138694.4(PKHD1):c.11847_11848del (p.Ser3951fs)

Gene: PKHD1 (PKHD1 ciliary IPT domain containing fibrocystin/polyductin; minus strand). Cytogenetic location: 6p12.3.
Variant type: Deletion.
Coding change: c.11847_11848del on transcript NM_138694.4 (MANE Select); coding-DNA positions 11847 to 11848, 2 bases deleted (AG; older notation c.11847_11848delAG).
Protein change: p.Ser3951fs; shifts the reading frame from serine 3951.
Molecular consequence: frameshift variant.
Genome position (GRCh38, 1-based): chr6:51,619,458-51,619,459, CT deleted on the plus strand (AG on the coding strand, the reverse complement: PKHD1 is on the minus strand); deleting any 2 consecutive bases within chr6:51,619,458-51,619,460 gives the same sequence; the c. name uses the placement nearest the transcript's 3' end. VCF-style (leftmost placement, unchanged base first): chr6-51619457-ACT-A. GRCh37 (hg19) VCF-style: chr6-51484255-ACT-A.
Other names: short protein forms S3951fs.
Identifiers: ClinVar variation 4816563 (VCV004816563.1).